The following is an entry in ClinVar:

ClinVar aggregate classification (germline): Likely benign. Review status: criteria provided, single submitter (1 of 4 stars). 2 submissions from 2 submitters: Likely benign (1). 1 of the submissions does not count toward it. Last evaluated 2025-02-12.

Conditions:
ARL6-related disorder. Also called: ARL6-related condition.
Bardet-Biedl syndrome 3 (BBS3). Identifiers: Orphanet 110, MedGen C1859564, MONDO:0010832, OMIM 600151.
Retinitis pigmentosa 55 (RP55). Identifiers: Orphanet 791, MedGen C3150808, MONDO:0013312, OMIM 613575.

Allele frequency attached by ClinVar (database versions not stated): TOPMed 0.00002; gnomAD 0.00004 and 0.00003; gnomAD exomes 0.00004; ExAC 0.00007.
gnomAD v4.1: 38 of 1,613,070 alleles (0.0024%); highest among the groups gnomAD compares: Non-Finnish European, 0.0031%; no homozygotes.

Submissions (2):

Labcorp Genetics (formerly Invitae), Labcorp
Classification: Likely benign for Retinitis pigmentosa 55; Bardet-Biedl syndrome 3. Last evaluated: 2025-02-12. Review status: criteria provided, single submitter. Criteria: Invitae Variant Classification Sherloc (09022015). Collection method: clinical testing. Allele origin: germline.

PreventionGenetics, part of Exact Sciences
Classification: Likely benign for ARL6-related condition. Last evaluated: 2023-01-13. Review status: no assertion criteria provided. Collection method: clinical testing. Allele origin: germline. Not counted in ClinVar's aggregate classification.
Comment: This variant is classified as likely benign based on ACMG/AMP sequence variant interpretation guidelines (Richards et al. 2015 PMID: 25741868, with internal and published modifications).

NM_001278293.3(ARL6):c.33T>A (p.Leu11=)

Gene: ARL6 (ARF like GTPase 6; plus strand). Cytogenetic location: 3q11.2.
Variant type: single nucleotide variant.
Coding change: c.33T>A on transcript NM_001278293.3 (MANE Select); coding-DNA position 33, T replaced by A.
Protein change: p.Leu11=; no amino-acid change (leucine 11 retained).
Molecular consequence: synonymous variant. On other transcripts: non-coding transcript variant (7).
Genome position (GRCh38, 1-based): chr3:97,768,140, T>A. VCF-style: chr3-97768140-T-A. GRCh37 (hg19) VCF-style: chr3-97486984-T-A.
Other names: c.33T>A, p.Leu11= (NM_001323513.2, NM_001323514.2, NM_032146.5 and 1 more transcripts).
Identifiers: ClinVar variation 1376159 (VCV001376159.10), dbSNP rs753656245, ClinGen allele CA2505839.